The following is an entry in ClinVar:

NM_002968.3(SALL1):c.2642T>C (p.Leu881Pro)

Gene: SALL1 (spalt like transcription factor 1; minus strand). Cytogenetic location: 16q12.1.
Variant type: single nucleotide variant.
Coding change: c.2642T>C on transcript NM_002968.3 (MANE Select); coding-DNA position 2642, T replaced by C.
Protein change: p.Leu881Pro; replaces leucine 881 with proline.
Molecular consequence: missense variant.
Genome position (GRCh38, 1-based): chr16:51,139,580, A>G on the plus strand (T>C on the coding strand, the complement: SALL1 is on the minus strand). VCF-style: chr16-51139580-A-G. GRCh37 (hg19) VCF-style: chr16-51173491-A-G.
Other names: c.2351T>C, p.Leu784Pro (NM_001127892.2); short protein forms L784P, L881P.
Identifiers: ClinVar variation 4848666 (VCV004848666.1).

ClinVar aggregate classification (germline): Uncertain significance (1 of 4 stars; one submission).

Submission:

Women's Health and Genetics/Laboratory Corporation of America, LabCorp
Classification: Uncertain significance. Last evaluated: 2026-04-28. Review status: criteria provided, single submitter. Criteria: LabCorp Variant Classification Summary - May 2015. Collection method: clinical testing. Allele origin: germline.
Comment: Variant summary: SALL1 c.2642T>C (p.Leu881Pro) results in a non-conservative amino acid change in the encoded protein sequence. Algorithms developed to predict the effect of missense changes on protein structure and function are either unavailable or do not agree on the potential impact of this missense change. The variant was absent in 251396 control chromosomes. The available data on variant occurrences in the general population are insufficient to allow any conclusion about variant significance. To our knowledge, no occurrence of c.2642T>C in individuals affected with SALL1-related conditions and no experimental evidence demonstrating its impact on protein function have been reported. No submitters have cited clinical-significance assessments for this variant to ClinVar. Based on the evidence outlined above, the variant was classified as uncertain significance.